The following is an entry in ClinVar:

NM_172364.5(CACNA2D4):c.2153-14T>A

Gene: CACNA2D4 (calcium voltage-gated channel auxiliary subunit alpha2delta 4; minus strand). Cytogenetic location: 12p13.33.
Variant type: single nucleotide variant.
Coding change: c.2153-14T>A on transcript NM_172364.5 (MANE Select); 14 bases into the intron before coding-DNA position 2153, T replaced by A.
Molecular consequence: intron variant.
Genome position (GRCh38, 1-based): chr12:1,854,058, A>T on the plus strand (T>A on the coding strand, the complement: CACNA2D4 is on the minus strand). VCF-style: chr12-1854058-A-T. GRCh37 (hg19) VCF-style: chr12-1963224-A-T.
Identifiers: ClinVar variation 1499584 (VCV001499584.8), dbSNP rs776534423, ClinGen allele CA6386822.
Genomic context (GRCh38, chr12:1,854,058, plus strand): 5'-TGTCACCACCGCGTCAAACAGCACCTCCCGGACCAGCTCCTCGTCACCTGGGTGCAAAAC[A>T]TCAGGGAACCAGGCCACATGCTTCCTCCATGCTCATGAACACAACTCTCCCATCCTAAGT-3'

ClinVar aggregate classification (germline): Uncertain significance (1 of 4 stars; one submission).

Allele frequency attached by ClinVar (database versions not stated): gnomAD 0.00001; ExAC 0.00002; gnomAD exomes 0.00003.
gnomAD v4.1: 8 of 1,595,688 alleles (0.0005%); highest among the groups gnomAD compares: Admixed American, 0.0085%; no homozygotes.

Submission:

Labcorp Genetics (formerly Invitae), Labcorp
Classification: Uncertain significance. Last evaluated: 2025-02-10. Review status: criteria provided, single submitter. Criteria: Invitae Variant Classification Sherloc (09022015). Collection method: clinical testing. Allele origin: germline.
Comment: This sequence change falls in intron 22 of the CACNA2D4 gene. It does not directly change the encoded amino acid sequence of the CACNA2D4 protein. This variant is present in population databases (rs776534423, gnomAD 0.02%). This variant has not been reported in the literature in individuals affected with CACNA2D4-related conditions. ClinVar contains an entry for this variant (Variation ID: 1499584). Algorithms developed to predict the effect of sequence changes on RNA splicing suggest that this variant may disrupt the consensus splice site. In summary, the available evidence is currently insufficient to determine the role of this variant in disease. Therefore, it has been classified as a Variant of Uncertain Significance.